The following is an entry in ClinVar:

NM_000179.3(MSH6):c.3199A>G (p.Ser1067Gly)

Gene: MSH6 (mutS homolog 6; plus strand). Cytogenetic location: 2p16.3.
Variant type: single nucleotide variant.
Coding change: c.3199A>G on transcript NM_000179.3 (MANE Select); coding-DNA position 3199, A replaced by G.
Protein change: p.Ser1067Gly; replaces serine 1067 with glycine.
Molecular consequence: missense variant.
Genome position (GRCh38, 1-based): chr2:47,803,446, A>G. VCF-style: chr2-47803446-A-G. GRCh37 (hg19) VCF-style: chr2-48030585-A-G.
Other names: c.2809A>G, p.Ser937Gly (NM_001281492.2); c.2293A>G, p.Ser765Gly (NM_001281493.2, NM_001281494.2); short protein forms S765G, S937G, S1067G.
Identifiers: ClinVar variation 952638 (VCV000952638.10), dbSNP rs1669732743, ClinGen allele CA346757864.

ClinVar aggregate classification (germline): Uncertain significance (1 of 4 stars; one submission).

Conditions:
Hereditary nonpolyposis colorectal neoplasms. Identifiers: MedGen C0009405, MeSH D003123.

Submission:

Labcorp Genetics (formerly Invitae), Labcorp
Classification: Uncertain significance for Hereditary nonpolyposis colorectal neoplasms. Last evaluated: 2021-07-16. Review status: criteria provided, single submitter. Criteria: Invitae Variant Classification Sherloc (09022015). Collection method: clinical testing. Allele origin: germline.
Comment: In summary, the available evidence is currently insufficient to determine the role of this variant in disease. Therefore, it has been classified as a Variant of Uncertain Significance. Algorithms developed to predict the effect of missense changes on protein structure and function (SIFT, PolyPhen-2, Align-GVGD) all suggest that this variant is likely to be disruptive, but these predictions have not been confirmed by published functional studies and their clinical significance is uncertain. This variant has not been reported in the literature in individuals with MSH6-related conditions. This variant is not present in population databases (ExAC no frequency). This sequence change replaces serine with glycine at codon 1067 of the MSH6 protein (p.Ser1067Gly). The serine residue is highly conserved and there is a small physicochemical difference between serine and glycine.